The following is an entry in ClinVar:

ClinVar aggregate classification (germline): Uncertain significance. Review status: criteria provided, multiple submitters, no conflicts (2 of 4 stars). 2 submissions from 2 submitters: Uncertain significance (2). Last evaluated 2025-05-25.

Conditions:
Inborn genetic diseases. Identifiers: MedGen C0950123, MeSH D030342.

gnomAD v4.1: 7 of 1,551,424 alleles (0.00045%); highest among the groups gnomAD compares: Admixed American, 0.0039%; no homozygotes.

Submissions (2):

Ambry Genetics
Classification: Uncertain significance for Inborn genetic diseases. Last evaluated: 2025-05-25. Review status: criteria provided, single submitter. Criteria: Ambry Variant Classification Scheme 2023. Collection method: clinical testing. Allele origin: germline.

GeneDx
Classification: Uncertain significance. Last evaluated: 2025-02-21. Review status: criteria provided, single submitter. Criteria: GeneDx Variant Classification Process June 2021. Collection method: clinical testing. Allele origin: germline. Affected: yes.
Comment: Not observed at significant frequency in large population cohorts (gnomAD); In silico analysis indicates that this missense variant does not alter protein structure/function; Has not been previously published as pathogenic or benign to our knowledge

NM_004614.5(TK2):c.34C>T (p.Arg12Trp)

Genes: TK2 (thymidine kinase 2; minus strand), LOC130059156 (ATAC-STARR-seq lymphoblastoid silent region 7560; plus strand). Cytogenetic location: 16q21.
Variant type: single nucleotide variant.
Coding change: c.34C>T on transcript NM_004614.5 (MANE Select); coding-DNA position 34, C replaced by T.
Protein change: p.Arg12Trp; replaces arginine 12 with tryptophan.
Molecular consequence: missense variant. On other transcripts: 5 prime UTR variant (2), non-coding transcript variant (1), intron variant (2).
Genome position (GRCh38, 1-based): chr16:66,550,028, G>A on the plus strand (C>T on the coding strand, the complement: TK2 is on the minus strand). VCF-style: chr16-66550028-G-A. GRCh37 (hg19) VCF-style: chr16-66583931-G-A.
Other names: c.34C>T, p.Arg12Trp (NM_001172644.2, NM_001172645.2); c.-209C>T (NM_001271934.2); c.-619C>T (NM_001272050.2); c.31+225C>T (NM_001271935.1, NM_001172643.1); short protein forms R12W.
Identifiers: ClinVar variation 3969114 (VCV003969114.2).